The following is an entry in ClinVar:

NM_201384.3(PLEC):c.1457C>G (p.Thr486Ser)

Gene: PLEC (plectin; minus strand). Cytogenetic location: 8q24.3.
Variant type: single nucleotide variant.
Coding change: c.1457C>G on transcript NM_201384.3 (MANE Select); coding-DNA position 1457, C replaced by G.
Protein change: p.Thr486Ser; replaces threonine 486 with serine.
Molecular consequence: missense variant.
Genome position (GRCh38, 1-based): chr8:143,933,073, G>C on the plus strand (C>G on the coding strand, the complement: PLEC is on the minus strand). VCF-style: chr8-143933073-G-C. GRCh37 (hg19) VCF-style: chr8-145007241-G-C.
Other names: c.1538C>G, p.Thr513Ser (NM_000445.5, NM_001410941.1); c.1415C>G, p.Thr472Ser (NM_201378.4); c.1391C>G, p.Thr464Ser (NM_201379.3); c.1868C>G, p.Thr623Ser (NM_201380.4); c.1361C>G, p.Thr454Ser (NM_201381.3); c.1457C>G, p.Thr486Ser (NM_201382.4); c.1469C>G, p.Thr490Ser (NM_201383.3); short protein forms T464S, T486S, T513S, T490S, T472S, T623S, T454S.
Identifiers: ClinVar variation 4790571 (VCV004790571.1).

ClinVar aggregate classification (germline): Uncertain significance (1 of 4 stars; one submission).

Conditions:
Epidermolysis bullosa simplex with nail dystrophy (EBS5D). Identifiers: MedGen C4225309, MONDO:0014661, OMIM 616487.
Epidermolysis bullosa simplex, Ogna type (EBS5A). Also called: EPIDERMOLYSIS BULLOSA SIMPLEX 5A, OGNA TYPE; Pidermolysis bullosa simplex 5A, Ogna type. Identifiers: Orphanet 79401, MedGen C0432317, MONDO:0007555, OMIM 131950.
Autosomal recessive limb-girdle muscular dystrophy type 2Q (LGMDR17). Also called: MUSCULAR DYSTROPHY, LIMB-GIRDLE, AUTOSOMAL RECESSIVE 17. Identifiers: Orphanet 254361, MedGen C3150989, MONDO:0013390, OMIM 613723.
Epidermolysis bullosa simplex 5B, with muscular dystrophy (EBS5B). Also called: EPIDERMOLYSIS BULLOSA SIMPLEX AND LIMB-GIRDLE MUSCULAR DYSTROPHY; Epidermolysis bullosa simplex with muscular dystrophy. Identifiers: Orphanet 257, MedGen C2931072, MONDO:0009181, OMIM 226670.
Epidermolysis bullosa simplex 5C, with pyloric atresia (EBS5C). Also called: PLEC-Related Epidermolysis Bullosa with Pyloric Atresia; Epidermolysis bullosa simplex with pyloric atresia; PLEC1-Related Epidermolysis Bullosa with Pyloric Atresia. Identifiers: Orphanet 158684, MedGen C2677349, MONDO:0012807, OMIM 612138.

gnomAD v4.1: 3 of 1,590,272 alleles (0.00019%); highest among the groups gnomAD compares: African/African-American, 0.0027%; no homozygotes.

Submission:

Labcorp Genetics (formerly Invitae), Labcorp
Classification: Uncertain significance for Autosomal recessive limb-girdle muscular dystrophy type 2Q; Epidermolysis bullosa simplex, Ogna type; Epidermolysis bullosa simplex with nail dystrophy; Epidermolysis bullosa simplex 5C, with pyloric atresia; Epidermolysis bullosa simplex 5B, with muscular dystrophy. Last evaluated: 2025-07-09. Review status: criteria provided, single submitter. Criteria: Invitae Variant Classification Sherloc (09022015). Collection method: clinical testing. Allele origin: germline.
Comment: This sequence change replaces threonine, which is neutral and polar, with serine, which is neutral and polar, at codon 513 of the PLEC protein (p.Thr513Ser). This variant is not present in population databases (gnomAD no frequency). This variant has not been reported in the literature in individuals affected with PLEC-related conditions. Experimental studies and prediction algorithms are not available or were not evaluated, and the functional significance of this variant is currently unknown. In summary, the available evidence is currently insufficient to determine the role of this variant in disease. Therefore, it has been classified as a Variant of Uncertain Significance.